The following is an entry in ClinVar:

NM_000179.3(MSH6):c.3716T>C (p.Ile1239Thr)

Gene: MSH6 (mutS homolog 6; plus strand). Cytogenetic location: 2p16.3.
Variant type: single nucleotide variant.
Coding change: c.3716T>C on transcript NM_000179.3 (MANE Select); coding-DNA position 3716, T replaced by C.
Protein change: p.Ile1239Thr; replaces isoleucine 1239 with threonine.
Molecular consequence: missense variant.
Genome position (GRCh38, 1-based): chr2:47,806,273, T>C. VCF-style: chr2-47806273-T-C. GRCh37 (hg19) VCF-style: chr2-48033412-T-C.
Other names: c.3326T>C, p.Ile1109Thr (NM_001281492.2); c.2810T>C, p.Ile937Thr (NM_001281493.2, NM_001281494.2); short protein forms I1239T, I1109T, I937T.
Identifiers: ClinVar variation 187550 (VCV000187550.24), dbSNP rs786203816, ClinGen allele CA013969.
Genomic context (GRCh38, chr2:47,806,273, plus strand): 5'-CTGCAACATTTGATGGGACGGCAATAGCAAATGCAGTTGTTAAAGAACTTGCTGAGACTA[T>C]AAAATGTCGTACATTATTTTCAACTCACTACCATTCATTAGTAGAAGATTATTCTCAAAA-3'
Protein context (NP_000170.1, residues 1229-1249): NAVVKELAET[Ile1239Thr]KCRTLFSTHY

ClinVar aggregate classification (germline): Uncertain significance. Review status: criteria provided, multiple submitters, no conflicts (2 of 4 stars). 7 submissions from 7 submitters: Uncertain significance (7). Last evaluated 2026-08-06.

Conditions:
Hereditary nonpolyposis colorectal neoplasms. Identifiers: MedGen C0009405, MeSH D003123.
Hereditary cancer-predisposing syndrome. Also called: Tumor predisposition; Hereditary neoplastic syndrome; Neoplastic Syndromes, Hereditary; Hereditary Cancer Syndrome. Identifiers: Orphanet 140162, MedGen C0027672, MeSH D009386, MONDO:0015356.
Endometrial carcinoma. Also called: Endometrial carcinoma, somatic. Identifiers: MedGen C0476089, MONDO:0002447, OMIM 608089, HP:0012114.

Allele frequency attached by ClinVar (database versions not stated): gnomAD exomes 0.00001; TOPMed 0.00001.
gnomAD v4.1: 10 of 1,613,944 alleles (0.00062%); highest among the groups gnomAD compares: South Asian, 0.0011%; no homozygotes.

Submissions (7):

OLLIN Analises Genomicas, OLLIN
Classification: Uncertain significance for Endometrial carcinoma. Last evaluated: 2026-08-06. Review status: criteria provided, single submitter. Criteria: ACMG Guidelines 2015 PMID 25741868. Collection method: clinical testing. Allele origin: germline. Inheritance: Autosomal dominant inheritance.
Comment: This missense variant, located in exon 8 (of 10), has been reported in ClinVar (accession VCV000187550.23) and in gnomAD with an allele frequency of 0.00062%. However, to our knowledge, it has not been reported in the scientific literature. In silico analysis predicts that this variant has a tolerated effect. According to the currently available evidence, this variant has been classified as uncertain significance (PM2_P, BP4).

Labcorp Genetics (formerly Invitae), Labcorp
Classification: Uncertain significance for Hereditary nonpolyposis colorectal neoplasms. Last evaluated: 2026-01-18. Review status: criteria provided, single submitter. Criteria: Invitae Variant Classification Sherloc (09022015). Collection method: clinical testing. Allele origin: germline.
Comment: This sequence change replaces isoleucine, which is neutral and non-polar, with threonine, which is neutral and polar, at codon 1239 of the MSH6 protein (p.Ile1239Thr). This variant is not present in population databases (gnomAD no frequency). This variant has not been reported in the literature in individuals affected with MSH6-related conditions. ClinVar contains an entry for this variant (Variation ID: 187550). Invitae Evidence Modeling of protein sequence and biophysical properties (such as structural, functional, and spatial information, amino acid conservation, physicochemical variation, residue mobility, and thermodynamic stability) indicates that this missense variant is not expected to disrupt MSH6 protein function with a negative predictive value of 95%. In summary, the available evidence is currently insufficient to determine the role of this variant in disease. Therefore, it has been classified as a Variant of Uncertain Significance.

Color Diagnostics, LLC DBA Color Health
Classification: Uncertain significance for Hereditary cancer-predisposing syndrome. Last evaluated: 2025-03-31. Review status: criteria provided, single submitter. Criteria: ACMG Guidelines, 2015. Collection method: clinical testing. Allele origin: germline.
Comment: This missense variant replaces isoleucine with threonine at codon 1239 of the MSH6 protein. Computational prediction suggests that this variant may have deleterious impact on protein structure and function. To our knowledge, functional studies have not been reported for this variant. This variant has not been reported in individuals affected with MSH6-related disorders in the literature. This variant has not been identified in the general population by the Genome Aggregation Database (gnomAD). The available evidence is insufficient to determine the role of this variant in disease conclusively. Therefore, this variant is classified as a Variant of Uncertain Significance.

GeneDx
Classification: Uncertain significance. Last evaluated: 2025-02-12. Review status: criteria provided, single submitter. Criteria: GeneDx Variant Classification Process June 2021. Collection method: clinical testing. Allele origin: germline. Affected: yes.
Comment: Not observed at significant frequency in large population cohorts (gnomAD); In silico analysis supports that this missense variant has a deleterious effect on protein structure/function; Has not been previously published as pathogenic or benign to our knowledge; This variant is associated with the following publications: (PMID: 17531815, 21120944)

Ambry Genetics
Classification: Uncertain significance for Hereditary cancer-predisposing syndrome. Last evaluated: 2025-01-19. Review status: criteria provided, single submitter. Criteria: Ambry Variant Classification Scheme 2023. Collection method: clinical testing. Allele origin: germline.
Comment: The p.I1239T variant (also known as c.3716T>C), located in coding exon 8 of the MSH6 gene, results from a T to C substitution at nucleotide position 3716. The isoleucine at codon 1239 is replaced by threonine, an amino acid with similar properties. This amino acid position is well conserved in available vertebrate species. In addition, this alteration is predicted to be deleterious by in silico analysis. Since supporting evidence is limited at this time, the clinical significance of this alteration remains unclear.

Baylor Genetics
Classification: Uncertain significance for Endometrial carcinoma. Last evaluated: 2023-10-30. Review status: criteria provided, single submitter. Criteria: ACMG Guidelines, 2015. Collection method: clinical testing. Allele origin: unknown.

Women's Health and Genetics/Laboratory Corporation of America, LabCorp
Classification: Uncertain significance. Last evaluated: 2022-05-21. Review status: criteria provided, single submitter. Criteria: LabCorp Variant Classification Summary - May 2015. Collection method: clinical testing. Allele origin: germline.